The following is an entry in ClinVar:

NM_000538.4(RFXAP):c.527AGA[2] (p.Lys178del)

Genes: RFXAP (regulatory factor X associated protein; plus strand), LOC130009575 (ATAC-STARR-seq lymphoblastoid active region 7590; plus strand). Cytogenetic location: 13q13.3.
Variant type: Microsatellite.
Coding change: c.527AGA[2] on transcript NM_000538.4 (MANE Select); two copies in a row of the 3-base unit AGA starting at c.527; the reference has three copies in a row; one copy, 3 bases deleted.
Protein change: p.Lys178del; deletes lysine 178.
Molecular consequence: inframe deletion.
Genome position (GRCh38, 1-based): chr13:36,819,890-36,819,892, AGA deleted; deleting any 3 consecutive bases within chr13:36,819,883-36,819,892 gives the same sequence; the position shown is the placement nearest the transcript's 3' end. VCF-style (leftmost placement, unchanged base first): chr13-36819882-AAAG-A. GRCh37 (hg19) VCF-style: chr13-37394019-AAAG-A.
Other names: short protein forms K178del.
Identifiers: ClinVar variation 1059489 (VCV001059489.8), dbSNP rs1268345931, ClinGen allele CA609452327.

ClinVar aggregate classification (germline): Uncertain significance (1 of 4 stars; one submission).

Conditions:
MHC class II deficiency. Also called: BLS, TYPE II; Bare lymphocyte syndrome 2. Identifiers: Orphanet 572, MedGen C5447452, MONDO:0008855.

Submission:

Labcorp Genetics (formerly Invitae), Labcorp
Classification: Uncertain significance for MHC class II deficiency. Last evaluated: 2022-07-15. Review status: criteria provided, single submitter. Criteria: Invitae Variant Classification Sherloc (09022015). Collection method: clinical testing. Allele origin: germline.
Comment: This variant, c.533_535del, results in the deletion of 1 amino acid(s) of the RFXAP protein (p.Lys178del), but otherwise preserves the integrity of the reading frame. This variant is present in population databases (no rsID available, gnomAD 0.004%). This variant has not been reported in the literature in individuals affected with RFXAP-related conditions. Experimental studies and prediction algorithms are not available or were not evaluated, and the functional significance of this variant is currently unknown. In summary, the available evidence is currently insufficient to determine the role of this variant in disease. Therefore, it has been classified as a Variant of Uncertain Significance.